The following is an entry in ClinVar:

ClinVar aggregate classification (germline): Uncertain significance. Review status: criteria provided, multiple submitters, no conflicts (2 of 4 stars). 2 submissions from 2 submitters: Uncertain significance (2). Last evaluated 2026-08-05.

Conditions:
Cardiovascular phenotype. Identifiers: MedGen CN230736.
Myofibrillar myopathy 5. Also called: Filaminopathy (type); FILAMINOPATHY, AUTOSOMAL DOMINANT. Identifiers: Orphanet 171445, MedGen C1836050, MONDO:0012289, OMIM 609524.
Hypertrophic cardiomyopathy 26. Also called: Cardiomyopathy, familial hypertrophic, 26. Identifiers: Orphanet 75249, MedGen C4310749, MONDO:0014883, OMIM 617047.
Distal myopathy with posterior leg and anterior hand involvement. Also called: WILLIAMS DISTAL MYOPATHY. Identifiers: Orphanet 63273, MedGen C3279722, MONDO:0013550, OMIM 614065.

Allele frequency attached by ClinVar (database versions not stated): gnomAD exomes below 0.00001.
gnomAD v4.1: 2 of 1,607,578 alleles (0.00012%); highest among the groups gnomAD compares: Non-Finnish European, 0.00017%; no homozygotes.

Submissions (2):

Ambry Genetics
Classification: Uncertain significance for Cardiovascular phenotype. Last evaluated: 2026-08-05. Review status: criteria provided, single submitter. Criteria: Ambry Variant Classification Scheme 2023. Collection method: clinical testing. Allele origin: germline.
Comment: The c.4537T>C (p.Y1513H) alteration is located in exon 26 (coding exon 26) of the FLNC gene. This alteration results from a T to C substitution at nucleotide position 4537, causing the tyrosine (Y) at amino acid position 1513 to be replaced by a histidine (H). Based on data from gnomAD, the C allele has an overall frequency of <0.001% (1/234006) total alleles studied. The highest observed frequency was 0.001% (1/105496) of European (non-Finnish) alleles. Based on insufficient or conflicting evidence, the clinical significance of this alteration remains unclear.

Labcorp Genetics (formerly Invitae), Labcorp
Classification: Uncertain significance for Distal myopathy with posterior leg and anterior hand involvement; Myofibrillar myopathy 5; Hypertrophic cardiomyopathy 26. Last evaluated: 2023-06-27. Review status: criteria provided, single submitter. Criteria: Invitae Variant Classification Sherloc (09022015). Collection method: clinical testing. Allele origin: germline.
Comment: Advanced modeling of protein sequence and biophysical properties (such as structural, functional, and spatial information, amino acid conservation, physicochemical variation, residue mobility, and thermodynamic stability) has been performed at Invitae for this missense variant, however the output from this modeling did not meet the statistical confidence thresholds required to predict the impact of this variant on FLNC protein function. In summary, the available evidence is currently insufficient to determine the role of this variant in disease. Therefore, it has been classified as a Variant of Uncertain Significance. This variant has not been reported in the literature in individuals affected with FLNC-related conditions. This sequence change replaces tyrosine, which is neutral and polar, with histidine, which is basic and polar, at codon 1513 of the FLNC protein (p.Tyr1513His). The frequency data for this variant in the population databases is considered unreliable, as metrics indicate poor data quality at this position in the gnomAD database.

NM_001458.5(FLNC):c.4537T>C (p.Tyr1513His)

Gene: FLNC (filamin C; plus strand). Cytogenetic location: 7q32.1.
Variant type: single nucleotide variant.
Coding change: c.4537T>C on transcript NM_001458.5 (MANE Select); coding-DNA position 4537, T replaced by C.
Protein change: p.Tyr1513His; replaces tyrosine 1513 with histidine.
Molecular consequence: missense variant.
Genome position (GRCh38, 1-based): chr7:128,848,025, T>C. VCF-style: chr7-128848025-T-C. GRCh37 (hg19) VCF-style: chr7-128488079-T-C.
Other names: c.4537T>C, p.Tyr1513His (NM_001127487.2); short protein forms Y1513H.
Identifiers: ClinVar variation 2928802 (VCV002928802.5), dbSNP rs1198899675, ClinGen allele CA369201967.